The following is an entry in ClinVar:

NM_198488.5(SACK1H):c.1069G>A (p.Glu357Lys)

Gene: SACK1H (scaffolding CK1 anchoring protein H; minus strand). Cytogenetic location: 8q24.3.
Variant type: single nucleotide variant.
Coding change: c.1069G>A on transcript NM_198488.5 (MANE Select); coding-DNA position 1069, G replaced by A.
Protein change: p.Glu357Lys; replaces glutamic acid 357 with lysine.
Molecular consequence: missense variant.
Genome position (GRCh38, 1-based): chr8:143,728,392, C>T on the plus strand (G>A on the coding strand, the complement: SACK1H is on the minus strand). VCF-style: chr8-143728392-C-T. GRCh37 (hg19) VCF-style: chr8-144810562-C-T.
Other names: short protein forms E357K.
Identifiers: ClinVar variation 2353753 (VCV002353753.5), dbSNP rs782694622, ClinGen allele CA4917528.

ClinVar aggregate classification (germline): Conflicting classifications of pathogenicity. Review status: criteria provided, conflicting classifications (1 of 4 stars). 3 submissions from 3 submitters: Uncertain significance (1); Likely benign (1). 1 of the submissions does not count toward it. Last evaluated 2024-11-20.

Conditions:
Inborn genetic diseases. Identifiers: MedGen C0950123, MeSH D030342.
FAM83H-related disorder. Also called: FAM83H-related condition.

Allele frequency attached by ClinVar (database versions not stated): gnomAD 0.00021; gnomAD exomes 0.00037; ExAC 0.00050.

Submissions (3):

Blueprint Genetics
Classification: Likely benign. Last evaluated: 2024-11-20. Review status: criteria provided, single submitter. Criteria: ACMG Guidelines, 2015. Collection method: clinical testing. Allele origin: germline.

Ambry Genetics
Classification: Uncertain significance for Inborn genetic diseases. Last evaluated: 2024-08-04. Review status: criteria provided, single submitter. Criteria: Ambry Variant Classification Scheme 2023. Collection method: clinical testing. Allele origin: germline.

PreventionGenetics, part of Exact Sciences
Classification: Likely benign for FAM83H-related condition. Last evaluated: 2024-08-23. Review status: no assertion criteria provided. Collection method: clinical testing. Allele origin: germline. Not counted in ClinVar's aggregate classification.
Comment: This variant is classified as likely benign based on ACMG/AMP sequence variant interpretation guidelines (Richards et al. 2015 PMID: 25741868, with internal and published modifications).